The following is an entry in ClinVar:

NM_000277.3(PAH):c.1A>T (p.Met1Leu)

Gene: PAH (phenylalanine hydroxylase; minus strand). Cytogenetic location: 12q23.2.
Variant type: single nucleotide variant.
Coding change: c.1A>T on transcript NM_000277.3 (MANE Select); coding-DNA position 1, A replaced by T.
Protein change: p.Met1Leu; changes the start codon (methionine 1).
Molecular consequence: missense variant, initiator codon variant.
Genome position (GRCh38, 1-based): chr12:102,917,130, T>A on the plus strand (A>T on the coding strand, the complement: PAH is on the minus strand). VCF-style: chr12-102917130-T-A. GRCh37 (hg19) VCF-style: chr12-103310908-T-A.
Other names: c.1A>T, p.Met1Leu (NM_001354304.2); short protein forms M1L.
Identifiers: ClinVar variation 102626 (VCV000102626.7), dbSNP rs62514891, ClinGen allele CA229482.

ClinVar aggregate classification (germline): Pathogenic. Review status: reviewed by expert panel (3 of 4 stars). 4 submissions from 4 submitters: Pathogenic (1). 3 of the submissions do not count toward it. Last evaluated 2019-07-07.

Conditions:
Phenylketonuria (PKU). Also called: Phenylketonuria (PKU); FOLLING DISEASE; OLIGOPHRENIA PHENYLPYRUVICA; Phenylketonurias. Identifiers: Orphanet 716, MedGen C0031485, MONDO:0009861, OMIM 261600. Disease mechanism: loss of function.

Submissions (4):

ClinGen PAH Variant Curation Expert Panel
Classification: Pathogenic for Phenylketonuria. Last evaluated: 2019-07-07. Review status: reviewed by expert panel. Criteria: ClinGen PAH ACMG Specifications v1. Collection method: curation. Allele origin: germline. Inheritance: Autosomal recessive inheritance.
Comment: The PAH:p.M1L variant is a predicted start-lost variant in the canonical transcript of PAH (ENST00000553106); There are no other PAH RefSeq transcripts. The next in-frame Met is at amino acid 180 in exon 6. There are 49 pathogenic variants in ClinVar upstream of aa 180. The p.Met1Val variant has <3% enzyme activity as compared to wild type (PMID: 9450897), confirming start loss variants lead to loss of function of the PAH enzyme without re-initiation. It is absent from control databases (PM2). In summary, this variant meets criteria to be classified as pathogenic for PAH. PAH-specific ACMG/AMP criteria applied: PP4, PM2, PM3, PVS1.

GeneDx
Classification: Pathogenic. Last evaluated: 2024-12-12. Review status: criteria provided, single submitter. Criteria: GeneDx Variant Classification Process June 2021. Collection method: clinical testing. Allele origin: germline. Affected: yes. Not counted in ClinVar's aggregate classification.
Comment: Initiation codon variant in a gene for which loss of function is a known mechanism of disease; Not observed at significant frequency in large population cohorts (gnomAD); This variant is associated with the following publications: (PMID: 32668217, 25155776, 24941924, 34828281)

Labcorp Genetics (formerly Invitae), Labcorp
Classification: Pathogenic for Phenylketonuria. Last evaluated: 2023-08-29. Review status: criteria provided, single submitter. Criteria: Invitae Variant Classification Sherloc (09022015). Collection method: clinical testing. Allele origin: germline. Not counted in ClinVar's aggregate classification.
Comment: Experimental studies have shown that disruption of the initiator codon affects PAH function (PMID: 1301201). Algorithms developed to predict the effect of variants on protein structure and function are not available or were not evaluated for this variant. ClinVar contains an entry for this variant (Variation ID: 102626). Disruption of the initiator codon has been observed in individual(s) with clinical features of PAH-related conditions (PMID: 2574002, 26666653; Invitae). This sequence change affects the initiator methionine of the PAH mRNA. The next in-frame methionine is located at codon 180. This variant is not present in population databases (gnomAD no frequency). For these reasons, this variant has been classified as Pathogenic.

DeBelle Laboratory for Biochemical Genetics, MUHC/MCH RESEARCH INSTITUTE
No classification provided. Review status: no classification provided. Collection method: not provided. Allele origin: not provided. Not counted in ClinVar's aggregate classification.

Literature cited by the submitters: PubMed 24941924 (cited by ClinGen PAH Variant Curation Expert Panel); PubMed 1301201 (cited by Labcorp Genetics (formerly Invitae), Labcorp); PubMed 2574002 (cited by Labcorp Genetics (formerly Invitae), Labcorp); PubMed 26666653 (cited by Labcorp Genetics (formerly Invitae), Labcorp).